The following is an entry in ClinVar:

NM_001347721.2(DYRK1A):c.1753C>T (p.Gln585Ter)

Gene: DYRK1A (dual specificity tyrosine phosphorylation regulated kinase 1A; plus strand). Cytogenetic location: 21q22.13.
Variant type: single nucleotide variant.
Coding change: c.1753C>T on transcript NM_001347721.2 (MANE Select); coding-DNA position 1753, C replaced by T.
Protein change: p.Gln585Ter; replaces glutamine 585 with a stop codon.
Molecular consequence: nonsense. On other transcripts: 3 prime UTR variant (2).
Genome position (GRCh38, 1-based): chr21:37,512,019, C>T. VCF-style: chr21-37512019-C-T. GRCh37 (hg19) VCF-style: chr21-38884322-C-T.
Other names: c.1780C>T (NM_001396.4); c.1753C>T, p.Gln585Ter (NM_001347722.2, NM_130436.2); c.1666C>T, p.Gln556Ter (NM_001347723.2); c.1780C>T, p.Gln594Ter (NM_001396.5); c.*156C>T (NM_101395.2); c.*65C>T (NM_130438.2); short protein forms Q585*, Q594*, Q556*.
Identifiers: ClinVar variation 2035675 (VCV002035675.5), dbSNP rs753795563, ClinGen allele CA409939497.

ClinVar aggregate classification (germline): Pathogenic/Likely pathogenic. Review status: criteria provided, multiple submitters, no conflicts (2 of 4 stars). 2 submissions from 2 submitters: Pathogenic (1); Likely pathogenic (1). Last evaluated 2022-11-30.

Conditions:
DYRK1A-related disorder.
DYRK1A-related intellectual disability syndrome (MRD7). Also called: DYRK1A Syndrome; Intellectual developmental disorder, autosomal dominant 7. Identifiers: Orphanet 464306, MedGen C5568143, MONDO:0013578, OMIM 614104.

Submissions (2):

PreventionGenetics, part of Exact Sciences
Classification: Likely pathogenic for DYRK1A-related condition. Last evaluated: 2022-11-30. Review status: criteria provided, single submitter. Criteria: ACMG Guidelines, 2015. Collection method: clinical testing. Allele origin: germline.
Comment: The DYRK1A c.1780C>T variant is predicted to result in premature protein termination (p.Gln594*). This variant is located in the last exon of DYRK1A and is not predicted to result in nonsense mediated decay. However, this variant truncates the final 170 amino acids and other de novo truncating variants have been reported downstream of this variant in individuals with intellectual disability (Human Gene Mutation Database). To our knowledge, this variant has not been reported in the literature or in a large population database, indicating this variant is rare. Nonsense variants in DYRK1A are expected to be pathogenic. This variant is interpreted as likely pathogenic.

Labcorp Genetics (formerly Invitae), Labcorp
Classification: Pathogenic for DYRK1A-related intellectual disability syndrome. Last evaluated: 2022-10-15. Review status: criteria provided, single submitter. Criteria: Invitae Variant Classification Sherloc (09022015). Collection method: clinical testing. Allele origin: germline.
Comment: For these reasons, this variant has been classified as Pathogenic. This variant is not present in population databases (gnomAD no frequency). This premature translational stop signal has been observed in individual(s) with clinical features of DYRK1A-related conditions (Invitae). This sequence change creates a premature translational stop signal (p.Gln594*) in the DYRK1A gene. While this is not anticipated to result in nonsense mediated decay, it is expected to disrupt the last 170 amino acid(s) of the DYRK1A protein. This variant disrupts a region of the DYRK1A protein in which other variant(s) (p.Ser641Rfs*31) have been determined to be pathogenic (PMID: 35598272). This suggests that this is a clinically significant region of the protein, and that variants that disrupt it are likely to be disease-causing.

Literature cited by the submitters: PubMed 35598272 (cited by Labcorp Genetics (formerly Invitae), Labcorp).